The following is an entry in ClinVar:

ClinVar aggregate classification (germline): Conflicting classifications of pathogenicity. Review status: criteria provided, conflicting classifications (1 of 4 stars). 3 submissions from 3 submitters: Likely pathogenic (1); Uncertain significance (1). 1 of the submissions does not count toward it. Last evaluated 2022-12-01.

Conditions:
Ritscher-Schinzel syndrome 1 (RTSC1). Identifiers: Orphanet 7, MedGen C4551776, MONDO:0009073, OMIM 220210.
Hereditary spastic paraplegia 8 (SPG8). Also called: SPASTIC PARAPLEGIA 8, AUTOSOMAL DOMINANT. Identifiers: Orphanet 100989, MedGen C1863704, MONDO:0011339, OMIM 603563.
Ritscher-Schinzel syndrome. Also called: CRANIOCEREBELLOCARDIAC DYSPLASIA. Identifiers: Orphanet 7, MedGen C0796137, MONDO:0019078.
Inborn genetic diseases. Identifiers: MedGen C0950123, MeSH D030342.

Allele frequency attached by ClinVar (database versions not stated): gnomAD 0.00004 and 0.00003; gnomAD exomes 0.00001 and 0.00004; TOPMed 0.00002; ExAC 0.00003.
gnomAD v4.1: 25 of 1,613,812 alleles (0.0015%); highest among the groups gnomAD compares: Admixed American, 0.01%; no homozygotes.

Submissions (3):

Labcorp Genetics (formerly Invitae), Labcorp
Classification: Uncertain significance for Ritscher-Schinzel syndrome; Hereditary spastic paraplegia 8. Last evaluated: 2022-12-01. Review status: criteria provided, single submitter. Criteria: Invitae Variant Classification Sherloc (09022015). Collection method: clinical testing. Allele origin: germline.
Comment: In summary, the available evidence is currently insufficient to determine the role of this variant in disease. Therefore, it has been classified as a Variant of Uncertain Significance. Advanced modeling of protein sequence and biophysical properties (such as structural, functional, and spatial information, amino acid conservation, physicochemical variation, residue mobility, and thermodynamic stability) performed at Invitae indicates that this missense variant is not expected to disrupt WASHC5 protein function. ClinVar contains an entry for this variant (Variation ID: 986026). This variant has not been reported in the literature in individuals affected with WASHC5-related conditions. This variant is present in population databases (rs749703625, gnomAD 0.01%). This sequence change replaces arginine, which is basic and polar, with glutamine, which is neutral and polar, at codon 830 of the WASHC5 protein (p.Arg830Gln).

Ambry Genetics
Classification: Likely pathogenic for Inborn genetic diseases. Last evaluated: 2021-09-21. Review status: criteria provided, single submitter. Criteria: Ambry Variant Classification Scheme 2023. Collection method: clinical testing. Allele origin: germline.
Comment: The c.2489G>A (p.R830Q) alteration is located in exon 20 (coding exon 19) of the WASHC5 gene. This alteration results from a G to A substitution at nucleotide position 2489, causing the arginine (R) at amino acid position 830 to be replaced by a glutamine (Q). Based on data from the Genome Aggregation Database (gnomAD), the WASHC5 c.2489G>A alteration was observed in 0.0035% (10/282648) of total alleles studied, with a frequency of 0.014% (5/35432) in the Latino subpopulation. This amino acid position is highly conserved in available vertebrate species. The in silico prediction for this alteration is inconclusive. Based on the available evidence, this alteration is classified as likely pathogenic.

Department of Pediatrics, Taizhou Central Hospital, Taizhou University Hospital
Classification: Likely pathogenic for Ritscher-Schinzel syndrome 1. Last evaluated: 2024-02-01. Review status: no assertion criteria provided. Collection method: clinical testing. Allele origin: maternal. Affected: yes. Observed: 1 variant allele. Not counted in ClinVar's aggregate classification.

NM_014846.4(WASHC5):c.2489G>A (p.Arg830Gln)

Gene: WASHC5 (WASH complex subunit 5; minus strand). Cytogenetic location: 8q24.13.
Variant type: single nucleotide variant.
Coding change: c.2489G>A on transcript NM_014846.4 (MANE Select); coding-DNA position 2489, G replaced by A.
Protein change: p.Arg830Gln; replaces arginine 830 with glutamine.
Molecular consequence: missense variant.
Genome position (GRCh38, 1-based): chr8:125,047,222, C>T on the plus strand (G>A on the coding strand, the complement: WASHC5 is on the minus strand). VCF-style: chr8-125047222-C-T. GRCh37 (hg19) VCF-style: chr8-126059464-C-T.
Other names: c.2045G>A, p.Arg682Gln (NM_001330609.2); short protein forms R682Q, R830Q.
Identifiers: ClinVar variation 986026 (VCV000986026.8), dbSNP rs749703625, ClinGen allele CA4873512.
Genomic context (GRCh38, chr8:125,047,222, plus strand): 5'-ACTGCCTGCAGTATTCAGGGCTCTGTAGAATTCAGGTACACCTACTTTGGGTCTGTGATC[C>T]GCAGGATTTCTCTGCAGAGTCGACCAATAAACGTTACAGACTCATCCACAGGGGTAAACT-3'
Protein context (NP_055661.3, residues 820-840): FIGRLCREIL[Arg830Gln]ITDPKMTCHI